The following is an entry in ClinVar:

NM_003334.4(UBA1):c.826A>G (p.Ser276Gly)

Gene: UBA1 (ubiquitin like modifier activating enzyme 1; plus strand). Cytogenetic location: Xp11.3.
Variant type: single nucleotide variant.
Coding change: c.826A>G on transcript NM_003334.4 (MANE Select); coding-DNA position 826, A replaced by G.
Protein change: p.Ser276Gly; replaces serine 276 with glycine.
Molecular consequence: missense variant.
Genome position (GRCh38, 1-based): chrX:47,202,170, A>G. VCF-style: chrX-47202170-A-G. GRCh37 (hg19) VCF-style: chrX-47061569-A-G.
Other names: c.826A>G, p.Ser276Gly (NM_153280.3); short protein forms S276G.
Identifiers: ClinVar variation 3651561 (VCV003651561.2).

ClinVar aggregate classification (germline): Uncertain significance (1 of 4 stars; one submission).

Conditions:
Infantile-onset X-linked spinal muscular atrophy. Also called: AMC, DISTAL, X-LINKED; ARTHROGRYPOSIS, X-LINKED, TYPE I; SPINAL MUSCULAR ATROPHY, X-LINKED LETHAL INFANTILE; Spinal Muscular Atrophy, X-Linked Infantile; Spinal muscular atrophy, X-linked 2. Identifiers: Orphanet 1145, MedGen C1844934, MONDO:0010532, OMIM 301830.

Submission:

Labcorp Genetics (formerly Invitae), Labcorp
Classification: Uncertain significance for Infantile-onset X-linked spinal muscular atrophy. Last evaluated: 2024-04-29. Review status: criteria provided, single submitter. Criteria: Invitae Variant Classification Sherloc (09022015). Collection method: clinical testing. Allele origin: germline.
Comment: This sequence change replaces serine, which is neutral and polar, with glycine, which is neutral and non-polar, at codon 276 of the UBA1 protein (p.Ser276Gly). This variant is not present in population databases (gnomAD no frequency). This variant has not been reported in the literature in individuals affected with UBA1-related conditions. An algorithm developed to predict the effect of missense changes on protein structure and function (PolyPhen-2) suggests that this variant is likely to be disruptive. In summary, the available evidence is currently insufficient to determine the role of this variant in disease. Therefore, it has been classified as a Variant of Uncertain Significance.